The following is an entry in ClinVar:

NM_001267550.2(TTN):c.81249A>G (p.Ser27083=)

Genes: TTN-AS1 (TTN antisense RNA 1; plus strand), TTN (titin; minus strand). Cytogenetic location: 2q31.2.
Variant type: single nucleotide variant.
Coding change: c.81249A>G on transcript NM_001267550.2 (MANE Select); coding-DNA position 81249, A replaced by G.
Protein change: p.Ser27083=; no amino-acid change (serine 27083 retained).
Molecular consequence: synonymous variant.
Genome position (GRCh38, 1-based): chr2:178,564,883, T>C on the plus strand (A>G on the coding strand, the complement: TTN is on the minus strand). VCF-style: chr2-178564883-T-C. GRCh37 (hg19) VCF-style: chr2-179429610-T-C.
Other names: c.76326A>G, p.Ser25442= (NM_001256850.1); c.54054A>G, p.Ser18018= (NM_003319.4); c.73545A>G, p.Ser24515= (NM_133378.4); c.54429A>G, p.Ser18143= (NM_133432.3); c.54630A>G, p.Ser18210= (NM_133437.4).
Identifiers: ClinVar variation 512611 (VCV000512611.6), dbSNP rs1553578905, ClinGen allele CA430251313.

ClinVar aggregate classification (germline): Likely benign. Review status: criteria provided, multiple submitters, no conflicts (2 of 4 stars). 2 submissions from 2 submitters: Likely benign (2). Last evaluated 2023-02-17.

Conditions:
Autosomal recessive limb-girdle muscular dystrophy type 2J (LGMDR10). Also called: MUSCULAR DYSTROPHY, LIMB-GIRDLE, AUTOSOMAL RECESSIVE 10; Limb-girdle muscular dystrophy, type 2J. Identifiers: Orphanet 140922, MedGen C1837342, MONDO:0012127, OMIM 608807.
Dilated cardiomyopathy 1G (CMD1G). Identifiers: Orphanet 154, MedGen C1858763, MONDO:0011400, OMIM 604145.

Allele frequency attached by ClinVar (database versions not stated): gnomAD exomes below 0.00001.
gnomAD v4.1: 4 of 1,612,472 alleles (0.00025%); highest among the groups gnomAD compares: Non-Finnish European, 0.00034%; no homozygotes.

Submissions (2):

Labcorp Genetics (formerly Invitae), Labcorp
Classification: Likely benign for Dilated cardiomyopathy 1G; Autosomal recessive limb-girdle muscular dystrophy type 2J. Last evaluated: 2023-02-17. Review status: criteria provided, single submitter. Criteria: Invitae Variant Classification Sherloc (09022015). Collection method: clinical testing. Allele origin: germline.

GeneDx
Classification: Likely benign. Last evaluated: 2017-10-06. Review status: criteria provided, single submitter. Criteria: GeneDx Variant Classification (06012015). Collection method: clinical testing. Allele origin: germline. Affected: yes.
Comment: This variant is considered likely benign or benign based on one or more of the following criteria: it is a conservative change, it occurs at a poorly conserved position in the protein, it is predicted to be benign by multiple in silico algorithms, and/or has population frequency not consistent with disease.